The following is an entry in ClinVar:

ClinVar aggregate classification (germline): Uncertain significance (1 of 4 stars; one submission).

Conditions:
BAP1-related tumor predisposition syndrome (TPDS1). Also called: Tumor susceptibility linked to germline BAP1 mutations; TUMOR PREDISPOSITION SYNDROME 1; COMMON Syndrome; BAP1 tumor predisposition syndrome. Identifiers: Orphanet 289539, MedGen C3280492, MONDO:0013692, OMIM 614327.

Allele frequency attached by ClinVar (database versions not stated): gnomAD exomes below 0.00001.
gnomAD v4.1: 2 of 1,613,778 alleles (0.00012%); highest among the groups gnomAD compares: East Asian, 0.0022%; no homozygotes.

Submission:

Labcorp Genetics (formerly Invitae), Labcorp
Classification: Uncertain significance for BAP1-related tumor predisposition syndrome. Last evaluated: 2020-06-16. Review status: criteria provided, single submitter. Criteria: Invitae Variant Classification Sherloc (09022015). Collection method: clinical testing. Allele origin: germline.
Comment: This sequence change falls in intron 7 of the BAP1 gene. It does not directly change the encoded amino acid sequence of the BAP1 protein, but it affects a nucleotide within the consensus splice site of the intron. This variant is not present in population databases (ExAC no frequency). This variant has not been reported in the literature in individuals with a BAP1-related disease. Nucleotide substitutions within the consensus splice site are relatively common causes of aberrant splicing (PMID: 17576681, 9536098). Algorithms developed to predict the effect of sequence changes on RNA splicing suggest that this variant may create or strengthen a splice site, but this prediction has not been confirmed by published transcriptional studies. In summary, this variant has uncertain impact on BAP1 function. The available evidence is currently insufficient to determine its role in disease. Therefore, it has been classified as a Variant of Uncertain Significance.

Literature cited by the submitters: PubMed 17576681; PubMed 9536098.

NM_004656.4(BAP1):c.580+6C>T

Gene: BAP1 (BRCA1 associated deubiquitinase 1; minus strand). Cytogenetic location: 3p21.1.
Variant type: single nucleotide variant.
Coding change: c.580+6C>T on transcript NM_004656.4 (MANE Select); 6 bases into the intron after coding-DNA position 580, C replaced by T.
Molecular consequence: intron variant.
Genome position (GRCh38, 1-based): chr3:52,407,168, G>A on the plus strand (C>T on the coding strand, the complement: BAP1 is on the minus strand). VCF-style: chr3-52407168-G-A. GRCh37 (hg19) VCF-style: chr3-52441184-G-A.
Identifiers: ClinVar variation 472705 (VCV000472705.5), dbSNP rs1553645784, ClinGen allele CA658657314.